The following is an entry in ClinVar:

ClinVar aggregate classification (germline): Uncertain significance. Review status: criteria provided, multiple submitters, no conflicts (2 of 4 stars). 2 submissions from 2 submitters: Uncertain significance (2). Last evaluated 2025-11-08.

Conditions:
Inborn genetic diseases. Identifiers: MedGen C0950123, MeSH D030342.

gnomAD v4.1: 1 of 1,614,120 alleles (0.000062%); highest among the groups gnomAD compares: South Asian, 0.0011%; no homozygotes.

Submissions (2):

Ambry Genetics
Classification: Uncertain significance for Inborn genetic diseases. Last evaluated: 2025-11-08. Review status: criteria provided, single submitter. Criteria: Ambry Variant Classification Scheme 2023. Collection method: clinical testing. Allele origin: germline.

GeneDx
Classification: Uncertain significance. Last evaluated: 2025-08-16. Review status: criteria provided, single submitter. Criteria: GeneDx Variant Classification Process June 2021. Collection method: clinical testing. Allele origin: germline. Affected: yes.
Comment: Not observed at significant frequency in large population cohorts (gnomAD); In silico analysis supports that this missense variant has a deleterious effect on protein structure/function; Has not been previously published as pathogenic or benign to our knowledge

NM_001348323.3(TRIP12):c.4355C>T (p.Thr1452Ile)

Gene: TRIP12 (thyroid hormone receptor interactor 12; minus strand). Cytogenetic location: 2q36.3.
Variant type: single nucleotide variant.
Coding change: c.4355C>T on transcript NM_001348323.3 (MANE Select); coding-DNA position 4355, C replaced by T.
Protein change: p.Thr1452Ile; replaces threonine 1452 with isoleucine.
Molecular consequence: missense variant.
Genome position (GRCh38, 1-based): chr2:229,791,926, G>A on the plus strand (C>T on the coding strand, the complement: TRIP12 is on the minus strand). VCF-style: chr2-229791926-G-A. GRCh37 (hg19) VCF-style: chr2-230656642-G-A.
Other names: c.4274C>T, p.Thr1425Ile (NM_001284214.2, NM_001348315.2); c.4229C>T, p.Thr1410Ile (NM_001284215.2, NM_001348316.2); c.3320C>T, p.Thr1107Ile (NM_001284216.2); c.4214C>T, p.Thr1405Ile (NM_001348317.1, NM_001348318.2); c.4340C>T, p.Thr1447Ile (NM_001348319.1, NM_001348320.2); c.4343C>T, p.Thr1448Ile (NM_001348321.1); c.4355C>T, p.Thr1452Ile (NM_001348322.1, NM_001348324.2, NM_001348325.2 and 2 more transcripts); c.4358C>T, p.Thr1453Ile (NM_001348328.1, NM_001348329.2, NM_001348330.2); and 5 more; short protein forms T1377I, T1425I, T1447I, T1405I, T1410I, T1448I, T1453I, T1107I.
Identifiers: ClinVar variation 4633635 (VCV004633635.2).